The following is an entry in ClinVar:

ClinVar aggregate classification (germline): Uncertain significance (1 of 4 stars; one submission).

Submission:

Labcorp Genetics (formerly Invitae), Labcorp
Classification: Uncertain significance. Last evaluated: 2025-10-11. Review status: criteria provided, single submitter. Criteria: Invitae Variant Classification Sherloc (09022015). Collection method: clinical testing. Allele origin: germline.
Comment: This sequence change replaces arginine, which is basic and polar, with glycine, which is neutral and non-polar, at codon 1548 of the C3 protein (p.Arg1548Gly). This variant is not present in population databases (gnomAD no frequency). This variant has not been reported in the literature in individuals affected with C3-related conditions. Invitae Evidence Modeling of protein sequence and biophysical properties (such as structural, functional, and spatial information, amino acid conservation, physicochemical variation, residue mobility, and thermodynamic stability) indicates that this missense variant is not expected to disrupt C3 protein function with a negative predictive value of 80%. In summary, the available evidence is currently insufficient to determine the role of this variant in disease. Therefore, it has been classified as a Variant of Uncertain Significance.

NM_000064.4(C3):c.4642C>G (p.Arg1548Gly)

Gene: C3 (complement C3; minus strand). Cytogenetic location: 19p13.3.
Variant type: single nucleotide variant.
Coding change: c.4642C>G on transcript NM_000064.4 (MANE Select); coding-DNA position 4642, C replaced by G.
Protein change: p.Arg1548Gly; replaces arginine 1548 with glycine.
Molecular consequence: missense variant.
Genome position (GRCh38, 1-based): chr19:6,678,444, G>C on the plus strand (C>G on the coding strand, the complement: C3 is on the minus strand). VCF-style: chr19-6678444-G-C. GRCh37 (hg19) VCF-style: chr19-6678455-G-C.
Other names: short protein forms R1548G.
Identifiers: ClinVar variation 4744248 (VCV004744248.1).